The following is an entry in ClinVar:

ClinVar aggregate classification (germline): Uncertain significance. Review status: criteria provided, multiple submitters, no conflicts (2 of 4 stars). 2 submissions from 2 submitters: Uncertain significance (2). Last evaluated 2023-03-03.

Allele frequency attached by ClinVar (database versions not stated): gnomAD exomes 0.00001; gnomAD 0.00003; TOPMed 0.00003.
gnomAD v4.1: 13 of 1,614,018 alleles (0.00081%); highest among the groups gnomAD compares: African/African-American, 0.015%; no homozygotes.

Submissions (2):

GeneDx
Classification: Uncertain significance. Last evaluated: 2023-03-03. Review status: criteria provided, single submitter. Criteria: GeneDx Variant Classification Process June 2021. Collection method: clinical testing. Allele origin: germline. Affected: yes.
Comment: Not observed at significant frequency in large population cohorts (gnomAD); In silico analysis supports that this missense variant has a deleterious effect on protein structure/function; Has not been previously published as pathogenic or benign to our knowledge

Labcorp Genetics (formerly Invitae), Labcorp
Classification: Uncertain significance. Last evaluated: 2021-11-13. Review status: criteria provided, single submitter. Criteria: Invitae Variant Classification Sherloc (09022015). Collection method: clinical testing. Allele origin: germline.
Comment: This variant is present in population databases (no rsID available, gnomAD 0.01%). In summary, the available evidence is currently insufficient to determine the role of this variant in disease. Therefore, it has been classified as a Variant of Uncertain Significance. Algorithms developed to predict the effect of sequence changes on RNA splicing suggest that this variant may create or strengthen a splice site. Algorithms developed to predict the effect of missense changes on protein structure and function are either unavailable or do not agree on the potential impact of this missense change (SIFT: "Tolerated"; PolyPhen-2: "Probably Damaging"; Align-GVGD: "Class C0"). This variant has not been reported in the literature in individuals affected with PIGV-related conditions. This sequence change replaces leucine, which is neutral and non-polar, with arginine, which is basic and polar, at codon 356 of the PIGV protein (p.Leu356Arg).

NM_017837.4(PIGV):c.1067T>G (p.Leu356Arg)

Gene: PIGV (phosphatidylinositol glycan anchor biosynthesis class V; plus strand). Cytogenetic location: 1p36.11.
Variant type: single nucleotide variant.
Coding change: c.1067T>G on transcript NM_017837.4 (MANE Select); coding-DNA position 1067, T replaced by G.
Protein change: p.Leu356Arg; replaces leucine 356 with arginine.
Molecular consequence: missense variant. On other transcripts: non-coding transcript variant (1), intron variant (1).
Genome position (GRCh38, 1-based): chr1:26,795,101, T>G. VCF-style: chr1-26795101-T-G. GRCh37 (hg19) VCF-style: chr1-27121592-T-G.
Other names: c.1067T>G (NM_017837.3); c.1067T>G, p.Leu356Arg (NM_001202554.2, NM_001374478.1, NM_001374480.1 and 2 more transcripts); c.686T>G, p.Leu229Arg (NM_001374483.1); c.440T>G, p.Leu147Arg (NM_001374484.1, NM_001374485.1); c.79-2462T>G (NM_001374486.1); short protein forms L356R, L229R, L147R.
Identifiers: ClinVar variation 1402316 (VCV001402316.7), dbSNP rs988022455, ClinGen allele CA19834567.
Genomic context (GRCh38, chr1:26,795,101, plus strand): 5'-TACTGGTTGCCTGGGCAACTTGGACATACGTGACCACTCACCCTTGGCTCTGCCTTACAC[T>G]TGGGCTGCAAAGGAGCAAGAACAATAAGACCCTAGAGAAGCCCGATCTTGGATTCCTCAG-3'
Protein context (NP_060307.2, residues 346-366): VTTHPWLCLT[Leu356Arg]GLQRSKNNKT